The following is an entry in ClinVar:

ClinVar aggregate classification (germline): Pathogenic (1 of 4 stars; one submission).

Conditions:
Deafness-lymphedema-leukemia syndrome. Also called: Emberger syndrome; Lymphedema, primary, with myelodysplasia. Identifiers: Orphanet 3226, MedGen C3279664, MONDO:0013540, OMIM 614038.
GATA2 deficiency with susceptibility to MDS/AML. Identifiers: MedGen CN300066, MONDO:0042982.

Submission:

Molecular Pathology Research Laboratory, SA Pathology
Classification: Pathogenic for GATA2 deficiency with susceptibility to MDS/AML; Deafness-lymphedema-leukemia syndrome. Last evaluated: 2021-07-06. Review status: criteria provided, single submitter. Criteria: ACMG Guidelines, 2015. Collection method: curation. Allele origin: unknown. Inheritance: Autosomal dominant inheritance. Affected: yes. Observed: 1 variant allele.
Comment: PVS1, PS4_Supporting, PM2

Literature cited by the submitters: PubMed 26702063.

NM_032638.5(GATA2):c.627_630dup (p.Val211fs)

Gene: GATA2 (GATA binding protein 2; minus strand). Cytogenetic location: 3q21.3.
Variant type: Duplication.
Coding change: c.627_630dup on transcript NM_032638.5 (MANE Select); coding-DNA positions 627 to 630, 4 bases duplicated (CGGC; older notation c.627_630dupCGGC).
Protein change: p.Val211fs; shifts the reading frame from valine 211.
Molecular consequence: frameshift variant.
Genome position (GRCh38, 1-based): chr3:128,485,968-128,485,971, GCCG duplicated on the plus strand (CGGC on the coding strand, the reverse complement: GATA2 is on the minus strand). VCF-style (leftmost placement, unchanged base first): chr3-128485967-C-CGCCG. GRCh37 (hg19) VCF-style: chr3-128204810-C-CGCCG.
Other names: c.627_630dup, p.Val211fs (NM_001145661.2, NM_001145662.1); short protein forms V211fs.
Identifiers: ClinVar variation 1184214 (VCV001184214.1), dbSNP rs2107672252, ClinGen allele CA1139532790.